The following is an entry in ClinVar:

ClinVar aggregate classification (germline): Likely pathogenic (1 of 4 stars; one submission).

Conditions:
Ataxia-telangiectasia syndrome (AT). Also called: ATAXIA-TELANGIECTASIA, COMPLEMENTATION GROUP A; ATAXIA-TELANGIECTASIA, FRESNO VARIANT; Ataxia-telangiectasia; Ataxia-telangiectasia, complementation group D; AT, COMPLEMENTATION GROUP C; Ataxia-telangiectasia, complementation group E. Identifiers: Orphanet 100, MedGen C0004135, MONDO:0008840, OMIM 208900.

Submission:

Labcorp Genetics (formerly Invitae), Labcorp
Classification: Likely pathogenic for Ataxia-telangiectasia syndrome. Last evaluated: 2020-02-29. Review status: criteria provided, single submitter. Criteria: Invitae Variant Classification Sherloc (09022015). Collection method: clinical testing. Allele origin: germline.
Comment: This sequence change affects a donor splice site in intron 49 of the ATM gene. It is expected to disrupt RNA splicing and likely results in an absent or disrupted protein product. This variant is not present in population databases (ExAC no frequency). Another variant that disrupts this splice donor has been observed in individual(s) with ataxia-telangiectasia (PMID: 15880721). Algorithms developed to predict the effect of sequence changes on RNA splicing suggest that this variant may disrupt the consensus splice site, but this prediction has not been confirmed by published transcriptional studies. Donor and acceptor splice site variants typically lead to a loss of protein function (PMID: 16199547), and loss-of-function variants in ATM are known to be pathogenic (PMID: 23807571, 25614872). In summary, the currently available evidence indicates that the variant is pathogenic, but additional data are needed to prove that conclusively. Therefore, this variant has been classified as Likely Pathogenic.

Literature cited by the submitters: PubMed 15880721; PubMed 16199547; PubMed 23807571; PubMed 25614872.

NM_000051.4(ATM):c.7307+1G>T

Genes: ATM (ATM serine/threonine kinase; plus strand), C11orf65 (chromosome 11 open reading frame 65; minus strand). Cytogenetic location: 11q22.3.
Variant type: single nucleotide variant.
Coding change: c.7307+1G>T on transcript NM_000051.4 (MANE Select); the canonical splice donor site of the intron after coding-DNA position 7307, G replaced by T.
Molecular consequence: splice donor variant. On other transcripts: intron variant (2).
Genome position (GRCh38, 1-based): chr11:108,329,239, G>T. VCF-style: chr11-108329239-G-T. GRCh37 (hg19) VCF-style: chr11-108199966-G-T.
Other names: c.7307+1G>T (NM_001351834.2); c.641-20168C>A (NM_001330368.2); c.*38+5981C>A (NM_001351110.2).
Identifiers: ClinVar variation 863585 (VCV000863585.48), dbSNP rs2086003529, ClinGen allele CA382559848.